The following is an entry in ClinVar:

NM_030787.4(CFHR5):c.431A>G (p.Lys144Arg)

Gene: CFHR5 (complement factor H related 5; plus strand). Cytogenetic location: 1q31.3.
Variant type: single nucleotide variant.
Coding change: c.431A>G on transcript NM_030787.4 (MANE Select); coding-DNA position 431, A replaced by G.
Protein change: p.Lys144Arg; replaces lysine 144 with arginine.
Molecular consequence: missense variant.
Genome position (GRCh38, 1-based): chr1:196,994,080, A>G. VCF-style: chr1-196994080-A-G. GRCh37 (hg19) VCF-style: chr1-196963210-A-G.
Other names: short protein forms K144R.
Identifiers: ClinVar variation 2148406 (VCV002148406.6), dbSNP rs201787238, ClinGen allele CA1307750.
Genomic context (GRCh38, chr1:196,994,080, plus strand): 5'-ACACATTAAATTTGTTTCTGCAATGAAAATTCACATATGTTCATTTAATTTTATTTTTAG[A>G]AGGAGAATGTCATGTTCCAATTTTAGAAGCCAATGTAGATGCTCAGCCAAAAAAAGAAAG-3'
Protein context (NP_110414.1, residues 134-154): WSTPPICSFT[Lys144Arg]GECHVPILEA

ClinVar aggregate classification (germline): Uncertain significance. Review status: criteria provided, multiple submitters, no conflicts (2 of 4 stars). 3 submissions from 3 submitters: Uncertain significance (3). Last evaluated 2024-10-18.

Conditions:
Inborn genetic diseases. Identifiers: MedGen C0950123, MeSH D030342.
CFHR5 deficiency. Identifiers: MedGen C3553720.

Allele frequency attached by ClinVar (database versions not stated): ExAC 0.00008; ESP Exome Variant Server 0.00008; gnomAD 0.00014; gnomAD exomes 0.00014; 1000 Genomes Project 30x 0.00016; TOPMed 0.00017; 1000 Genomes Project 0.00020.
gnomAD v4.1: 223 of 1,608,996 alleles (0.014%); highest among the groups gnomAD compares: Admixed American, 0.033%; no homozygotes.

Submissions (3):

Labcorp Genetics (formerly Invitae), Labcorp
Classification: Uncertain significance. Last evaluated: 2024-10-18. Review status: criteria provided, single submitter. Criteria: Invitae Variant Classification Sherloc (09022015). Collection method: clinical testing. Allele origin: germline.
Comment: This sequence change replaces lysine, which is basic and polar, with arginine, which is basic and polar, at codon 144 of the CFHR5 protein (p.Lys144Arg). This variant is present in population databases (rs201787238, gnomAD 0.009%). This variant has not been reported in the literature in individuals affected with CFHR5-related conditions. ClinVar contains an entry for this variant (Variation ID: 2148406). An algorithm developed to predict the effect of missense changes on protein structure and function (PolyPhen-2) suggests that this variant is likely to be tolerated. In summary, the available evidence is currently insufficient to determine the role of this variant in disease. Therefore, it has been classified as a Variant of Uncertain Significance.

Genome-Nilou Lab
Classification: Uncertain significance for C3 glomerulonephritis. Last evaluated: 2023-04-11. Review status: criteria provided, single submitter. Criteria: ACMG Guidelines, 2015. Collection method: clinical testing. Allele origin: germline. Affected: no.

Ambry Genetics
Classification: Uncertain significance for Inborn genetic diseases. Last evaluated: 2021-11-22. Review status: criteria provided, single submitter. Criteria: Ambry Variant Classification Scheme 2023. Collection method: clinical testing. Allele origin: germline.